The following is an entry in ClinVar:

NM_000492.4(CFTR):c.1678A>G (p.Arg560Gly)

Genes: CFTR (CF transmembrane conductance regulator; plus strand), LOC111674475 (CFTR intron 11 enhancer; plus strand). Cytogenetic location: 7q31.2.
Variant type: single nucleotide variant.
Coding change: c.1678A>G on transcript NM_000492.4 (MANE Select); coding-DNA position 1678, A replaced by G.
Protein change: p.Arg560Gly; replaces arginine 560 with glycine.
Molecular consequence: missense variant.
Genome position (GRCh38, 1-based): chr7:117,587,832, A>G. VCF-style: chr7-117587832-A-G. GRCh37 (hg19) VCF-style: chr7-117227886-A-G.
Other names: short protein forms R560G.
Identifiers: ClinVar variation 53330 (VCV000053330.3), dbSNP rs397508260, ClinGen allele CA326596.
Genomic context (GRCh38, chr7:117,587,832, plus strand): 5'-GTTCTTGGAGAAGGTGGAATCACACTGAGTGGAGGTCAACGAGCAAGAATTTCTTTAGCA[A>G]GGTGAATAACTAATTATTGGTCTAGCAAGCATTTGCTGTAAATGTCATTCATGTAAAAAA-3'
Protein context (NP_000483.3, residues 550-570): GGQRARISLA[Arg560Gly]AVYKDADLYL

ClinVar aggregate classification (germline): Conflicting classifications of pathogenicity. Review status: criteria provided, conflicting classifications (1 of 4 stars). 3 submissions from 3 submitters: Likely pathogenic (1); Uncertain significance (1). 1 of the submissions does not count toward it. Last evaluated 2025-08-05.

Conditions:
CFTR-related disorder (CFTR-RD). Also called: CFTR-related disorders; CFTR-related condition. Identifiers: MedGen C5924204, MONDO:7770004.
Cystic fibrosis (CF). Also called: MUCOVISCIDOSIS. Identifiers: Orphanet 586, MedGen C0010674, MONDO:0009061, OMIM 219700. Disease mechanism: loss of function.

Submissions (3):

Natera, Inc.
Classification: Likely pathogenic for CFTR-related disorders. Last evaluated: 2025-08-05. Review status: criteria provided, single submitter. Criteria: Natera Variant Classification Schema (03/2026). Collection method: clinical testing. Allele origin: germline.
Comment: The c.1678A>G variant in CFTR is a missense variant predicted to cause substitution of arginine to glycine at amino acid 560. This variant is rare in the general population with a frequency below the threshold expected for the associated phenotype(s). This variant has been observed in one or more individuals affected with the associated recessive disease, as either homozygous or compound heterozygous with a second variant (PMID: 35698092). Functional studies show that this variant may disrupt protein function (PMID: 38388235). A different variant at the same position has been determined to be Pathogenic or Likely Pathogenic. Computational prediction algorithms indicate this variant is likely to affect gene or protein function. Given the available evidence, this variant is classified as Likely Pathogenic.

Women's Health and Genetics/Laboratory Corporation of America, LabCorp
Classification: Uncertain significance. Last evaluated: 2022-03-28. Review status: criteria provided, single submitter. Criteria: LabCorp Variant Classification Summary - May 2015. Collection method: clinical testing. Allele origin: germline.
Comment: Variant summary: CFTR c.1678A>G (p.Arg560Gly) results in a non-conservative amino acid change in the encoded protein sequence. Five of five in-silico tools predict a damaging effect of the variant on protein function. Several computational tools predict a significant impact on normal splicing: One predicts the variant abolishes a 5' splicing donor site and one predicts the variant weakens a 5' donor site. Two predict the variant has no significant impact on splicing. However, these predictions have yet to be confirmed by functional studies. The variant was absent in 250518 control chromosomes (gnomAD). The available data on variant occurrences in the general population are insufficient to allow any conclusion about variant significance. c.1678A>G has been reported in the literature in individuals affected with Cystic Fibrosis (e.g. Alonso_2007, Moya-Quiles_2009, de Dios Caballero_2016), including one compound heterozygote with a known second pathogenic allele (Sickkids database). These data do not allow any conclusion about variant significance. To our knowledge, no experimental evidence demonstrating an impact on protein function has been reported. No clinical diagnostic laboratories have submitted clinical-significance assessments for this variant to ClinVar after 2014. Based on the evidence outlined above, the variant was classified as uncertain significance.

ClinVar Staff, National Center for Biotechnology Information (NCBI)
No classification provided. Condition: CFTR-related disorders. Review status: no classification provided. Collection method: literature only. Allele origin: germline. Affected: yes. Not counted in ClinVar's aggregate classification.

Literature cited by the submitters: PubMed 35698092 (cited by Natera, Inc.); PubMed 38388235 (cited by Natera, Inc.); PubMed 17331079 (cited by Women's Health and Genetics/Laboratory Corporation of America, LabCorp and ClinVar Staff, National Center for Biotechnology Information (NCBI)); PubMed 26429520 (cited by Women's Health and Genetics/Laboratory Corporation of America, LabCorp); PubMed 19845690 (cited by Women's Health and Genetics/Laboratory Corporation of America, LabCorp).